The following is an entry in ClinVar:

NM_001048174.2(MUTYH):c.1406A>T (p.Tyr469Phe)

Gene: MUTYH (mutY DNA glycosylase; minus strand). Cytogenetic location: 1p34.1.
Variant type: single nucleotide variant.
Coding change: c.1406A>T on transcript NM_001048174.2 (MANE Select); coding-DNA position 1406, A replaced by T.
Protein change: p.Tyr469Phe; replaces tyrosine 469 with phenylalanine.
Molecular consequence: missense variant. On other transcripts: non-coding transcript variant (7).
Genome position (GRCh38, 1-based): chr1:45,330,544, T>A on the plus strand (A>T on the coding strand, the complement: MUTYH is on the minus strand). VCF-style: chr1-45330544-T-A. GRCh37 (hg19) VCF-style: chr1-45796216-T-A.
Other names: c.1406A>T, p.Tyr469Phe (NM_001048171.2, NM_001048173.2, NM_001293195.2 and 6 more transcripts); c.1409A>T, p.Tyr470Phe (NM_001048172.2, NM_001407071.1, NM_001407078.1 and 1 more transcripts); c.1490A>T, p.Tyr497Phe (NM_001128425.2); c.1451A>T, p.Tyr484Phe (NM_001293190.2); c.1439A>T, p.Tyr480Phe (NM_001293191.2, NM_001407069.1, NM_001407077.1); c.1130A>T, p.Tyr377Phe (NM_001293192.2, NM_001293196.2, NM_001407091.1); c.1061A>T, p.Tyr354Phe (NM_001350650.2, NM_001350651.2, NM_001407082.1); c.1322A>T, p.Tyr441Phe (NM_001407075.1); and 5 more; short protein forms Y455F, Y469F, Y480F, Y483F, Y377F, Y441F, Y456F, Y484F.
Identifiers: ClinVar variation 4113277 (VCV004113277.1).

ClinVar aggregate classification (germline): Uncertain significance (1 of 4 stars; one submission).

Conditions:
Hereditary cancer-predisposing syndrome. Also called: Tumor predisposition; Neoplastic Syndromes, Hereditary; Hereditary neoplastic syndrome; Hereditary Cancer Syndrome. Identifiers: Orphanet 140162, MedGen C0027672, MeSH D009386, MONDO:0015356.

Submission:

Ambry Genetics
Classification: Uncertain significance for Hereditary cancer-predisposing syndrome. Last evaluated: 2025-08-27. Review status: criteria provided, single submitter. Criteria: Ambry Variant Classification Scheme 2023. Collection method: clinical testing. Allele origin: germline.
Comment: The p.Y497F variant (also known as c.1490A>T), located in coding exon 15 of the MUTYH gene, results from an A to T substitution at nucleotide position 1490. The tyrosine at codon 497 is replaced by phenylalanine, an amino acid with highly similar properties. This amino acid position is conserved. In addition, the in silico prediction for this alteration is inconclusive. Based on the available evidence, the clinical significance of this variant remains unclear.